The following is an entry in ClinVar:

ClinVar aggregate classification (germline): Likely benign. Review status: criteria provided, single submitter (1 of 4 stars). 2 submissions from 2 submitters: Likely benign (1). 1 of the submissions does not count toward it. Last evaluated 2025-12-22.

Conditions:
Bardet-Biedl syndrome (BBS). Identifiers: Orphanet 110, MedGen C0752166, MONDO:0015229.
BBS9-related disorder. Also called: BBS9-related condition.

Allele frequency attached by ClinVar (database versions not stated): gnomAD exomes below 0.00001.
gnomAD v4.1: 2 of 1,612,376 alleles (0.00012%); highest among the groups gnomAD compares: Non-Finnish European, 0.00017%; no homozygotes.

Submissions (2):

Labcorp Genetics (formerly Invitae), Labcorp
Classification: Likely benign for Bardet-Biedl syndrome. Last evaluated: 2025-12-22. Review status: criteria provided, single submitter. Criteria: Invitae Variant Classification Sherloc (09022015). Collection method: clinical testing. Allele origin: germline.

PreventionGenetics, part of Exact Sciences
Classification: Likely benign for BBS9-related condition. Last evaluated: 2021-04-06. Review status: no assertion criteria provided. Collection method: clinical testing. Allele origin: germline. Not counted in ClinVar's aggregate classification.
Comment: This variant is classified as likely benign based on ACMG/AMP sequence variant interpretation guidelines (Richards et al. 2015 PMID: 25741868, with internal and published modifications).

NM_198428.3(BBS9):c.1674T>C (p.Ser558=)

Gene: BBS9 (Bardet-Biedl syndrome 9; plus strand). Cytogenetic location: 7p14.3.
Variant type: single nucleotide variant.
Coding change: c.1674T>C on transcript NM_198428.3 (MANE Select); coding-DNA position 1674, T replaced by C.
Protein change: p.Ser558=; no amino-acid change (serine 558 retained).
Molecular consequence: synonymous variant. On other transcripts: non-coding transcript variant (3).
Genome position (GRCh38, 1-based): chr7:33,357,976, T>C. VCF-style: chr7-33357976-T-C. GRCh37 (hg19) VCF-style: chr7-33397588-T-C.
Other names: c.1674T>C (NM_198428.2); c.1569T>C, p.Ser523= (NM_001033604.2); c.1659T>C, p.Ser553= (NM_001033605.2); c.1674T>C, p.Ser558= (NM_001348036.1, NM_001348041.4, NM_001348043.3 and 3 more transcripts); c.1308T>C, p.Ser436= (NM_001348037.3, NM_001348045.3, NM_001348046.3); c.1401T>C, p.Ser467= (NM_001348038.3); c.1296T>C, p.Ser432= (NM_001348039.3); c.1554T>C, p.Ser518= (NM_001348040.3, NM_014451.4); and 2 more.
Identifiers: ClinVar variation 2738187 (VCV002738187.4), dbSNP rs1819943776, ClinGen allele CA454451314.
Genomic context (GRCh38, chr7:33,357,976, plus strand): 5'-TCAGCCTTCAAAAACTGCAAGCCACAAAATTACTATTGATACCAACAAATCTCCAGTCAG[T>C]CTTCTTAGTCTCTTCCCAGGTAAGACTGTTGAAATAACATGCCTGCAGCATCAAAAATGC-3'
Protein context (NP_940820.1, residues 548-568): ITIDTNKSPV[Ser558=]LLSLFPGFAS